The following is an entry in ClinVar:

ClinVar aggregate classification (germline): Uncertain significance. Review status: criteria provided, multiple submitters, no conflicts (2 of 4 stars). 2 submissions from 2 submitters: Uncertain significance (2). Last evaluated 2026-07-08.

Allele frequency attached by ClinVar (database versions not stated): TOPMed 0.00002; 1000 Genomes Project 0.00026; gnomAD 0.00001; gnomAD exomes 0.00001; 1000 Genomes Project 30x 0.00021.

Submissions (2):

Ambry Genetics
Classification: Uncertain significance. Last evaluated: 2026-07-08. Review status: criteria provided, single submitter. Criteria: Ambry Variant Classification Scheme 2023. Collection method: clinical testing. Allele origin: germline.
Comment: The c.113C>T (p.A38V) alteration is located in exon 2 (coding exon 1) of the TMLHE gene. This alteration results from a C to T substitution at nucleotide position 113, causing the alanine (A) at amino acid position 38 to be replaced by a valine (V). Based on data from gnomAD, the T allele has an overall frequency of 0.001% (1/181560) total alleles studied. The highest observed frequency was 0.004% (1/26799) of Latino alleles. Based on insufficient or conflicting evidence, the clinical significance of this alteration remains unclear.

Women's Health and Genetics/Laboratory Corporation of America, LabCorp
Classification: Uncertain significance. Last evaluated: 2019-03-22. Review status: criteria provided, single submitter. Criteria: LabCorp Variant Classification Summary - May 2015. Collection method: clinical testing. Allele origin: germline.
Comment: Variant summary: TMLHE c.113C>T (p.Ala38Val) results in a non-conservative amino acid change in the encoded protein sequence. Four of five in-silico tools predict a benign effect of the variant on protein function. The variant allele was found in one hemizygote individual in the gnomAD database at a frequency of 5.7e-06 in 176945 control chromosomes. The available data on variant occurrences in the general population are insufficient to allow any conclusion about variant significance. To our knowledge, no occurrence of c.113C>T in individuals affected with Autism, susceptibility to, X-linked 6 and no experimental evidence demonstrating its impact on protein function have been reported. No clinical diagnostic laboratories have submitted clinical-significance assessments for this variant to ClinVar after 2014. Based on the evidence outlined above, the variant was classified as uncertain significance.

NM_018196.4(TMLHE):c.113C>T (p.Ala38Val)

Gene: TMLHE (trimethyllysine hydroxylase, epsilon; minus strand). Cytogenetic location: Xq28.
Variant type: single nucleotide variant.
Coding change: c.113C>T on transcript NM_018196.4 (MANE Select); coding-DNA position 113, C replaced by T.
Protein change: p.Ala38Val; replaces alanine 38 with valine.
Molecular consequence: missense variant.
Genome position (GRCh38, 1-based): chrX:155,545,164, G>A on the plus strand (C>T on the coding strand, the complement: TMLHE is on the minus strand). VCF-style: chrX-155545164-G-A. GRCh37 (hg19) VCF-style: chrX-154774825-G-A.
Other names: c.113C>T, p.Ala38Val (NM_001184797.2); short protein forms A38V.
Identifiers: ClinVar variation 928841 (VCV000928841.2), dbSNP rs781834884, ClinGen allele CA337291097.